The following is an entry in ClinVar:

ClinVar aggregate classification (germline): Uncertain significance. Review status: reviewed by expert panel (3 of 4 stars). 3 submissions from 3 submitters: Uncertain significance (1). 2 of the submissions do not count toward it. Last evaluated 2025-10-28.

Conditions:
DICER1-related tumor predisposition. Also called: DICER1-related pleuropulmonary blastoma cancer predisposition syndrome; DICER1 syndrome. Identifiers: Orphanet 284343, MedGen C3839822, MONDO:0100216.
Hereditary cancer-predisposing syndrome. Also called: Neoplastic Syndromes, Hereditary; Tumor predisposition; Hereditary Cancer Syndrome; Hereditary neoplastic syndrome. Identifiers: Orphanet 140162, MedGen C0027672, MeSH D009386, MONDO:0015356.

Submissions (3):

ClinGen DICER1 and miRNA-Processing Gene Variant Curation Expert Panel, ClinGen
Classification: Uncertain significance for DICER1-related tumor predisposition. Last evaluated: 2025-10-28. Review status: reviewed by expert panel. Criteria: ClinGen DICER1 ACMG Specifications DICER1 V1.4.0. Collection method: curation. Allele origin: germline. Inheritance: Autosomal dominant inheritance.
Comment: The NM_177438.3:c.2650+5G>A variant in DICER1 is an intronic variant occurring in intron 16. Although this variant has been observed in individuals undergoing genetic sequencing, to our knowledge, this variant has not been reported in individuals with DICER1-related tumor predisposition (PS4 not met; Internal lab contributors). This variant is absent from gnomAD v4.1.0 (PM2_Supporting). Sequencing of RNA from patients showed an in-frame splicing impact disrupting the RNAse IIIb domain, indicating that this variant impacts protein function (Internal lab contributors; PS3_Moderate). The splice site predictors MaxEntScan and SpliceAI indicate that the variant impacts splicing, evidence that correlates with impact to DICER1 function (PP3). In summary, this variant meets the criteria to be classified as Uncertain Significance for DICER1-related tumor predisposition based on the ACMG/AMP criteria applied, as specified by the ClinGen DICER1 VCEP: PM2_Supporting, PS3_Moderate, PP3. (Bayesian Points: 4; VCEP specifications version 1.4.0; 10/28/2025).

Ambry Genetics
Classification: Likely pathogenic for Hereditary cancer-predisposing syndrome. Last evaluated: 2023-09-27. Review status: criteria provided, single submitter. Criteria: Ambry Variant Classification Scheme 2023. Collection method: clinical testing. Allele origin: germline. Not counted in ClinVar's aggregate classification.
Comment: The c.2650+5G>A intronic variant results from a G to A substitution 5 nucleotides after coding exon 15 in the DICER1 gene. This nucleotide position is highly conserved in available vertebrate species. In silico splice site analysis predicts that this alteration will weaken the native splice donor site. RNA studies have demonstrated that this alteration results in abnormal splicing in the set of samples tested (Ambry internal data). Based on the majority of available evidence to date, this variant is likely to be pathogenic.

Labcorp Genetics (formerly Invitae), Labcorp
Classification: Uncertain significance for DICER1-related tumor predisposition. Last evaluated: 2017-08-02. Review status: criteria provided, single submitter. Criteria: Invitae Variant Classification Sherloc (09022015). Collection method: clinical testing. Allele origin: germline. Not counted in ClinVar's aggregate classification.
Comment: In summary, the available evidence is currently insufficient to determine the role of this variant in disease. Therefore, it has been classified as a Variant of Uncertain Significance. Nucleotide substitutions within the consensus splice site are a relatively common cause of aberrant splicing (PMID: 17576681, 9536098). Algorithms developed to predict the effect of sequence changes on RNA splicing suggest that this variant may disrupt the consensus splice site, but this prediction has not been confirmed by published transcriptional studies. This variant has not been reported in the literature in individuals with DICER1-related disease. This variant is not present in population databases (ExAC no frequency). This sequence change falls in intron 16 of the DICER1 gene. It does not directly change the encoded amino acid sequence of the DICER1 protein, but it affects a nucleotide within the consensus splice site of the intron.

Literature cited by the submitters: PubMed 17576681 (cited by Labcorp Genetics (formerly Invitae), Labcorp); PubMed 9536098 (cited by Labcorp Genetics (formerly Invitae), Labcorp).

NM_177438.3(DICER1):c.2650+5G>A

Gene: DICER1 (dicer 1, ribonuclease III; minus strand). Cytogenetic location: 14q32.13.
Variant type: single nucleotide variant.
Coding change: c.2650+5G>A on transcript NM_177438.3 (MANE Select); 5 bases into the intron after coding-DNA position 2650, G replaced by A.
Molecular consequence: intron variant.
Genome position (GRCh38, 1-based): chr14:95,107,875, C>T on the plus strand (G>A on the coding strand, the complement: DICER1 is on the minus strand). VCF-style: chr14-95107875-C-T. GRCh37 (hg19) VCF-style: chr14-95574212-C-T.
Other names: c.2650+5G>A (NM_001291628.2, NM_030621.4, NM_001271282.3 and 1 more transcripts).
Identifiers: ClinVar variation 543626 (VCV000543626.10), dbSNP rs1168700780, ClinGen allele CA616115579.